The following is an entry in ClinVar:

NM_002350.4(LYN):c.1350C>T (p.Ala450=)

Gene: LYN (LYN proto-oncogene, Src family tyrosine kinase; plus strand). Cytogenetic location: 8q12.1.
Variant type: single nucleotide variant.
Coding change: c.1350C>T on transcript NM_002350.4 (MANE Select); coding-DNA position 1350, C replaced by T.
Protein change: p.Ala450=; no amino-acid change (alanine 450 retained).
Molecular consequence: synonymous variant.
Genome position (GRCh38, 1-based): chr8:56,009,921, C>T. VCF-style: chr8-56009921-C-T. GRCh37 (hg19) VCF-style: chr8-56922480-C-T.
Other names: p.Ala450=; c.1350C>T (NM_002350.3); c.1287C>T, p.Ala429= (NM_001111097.3).
Identifiers: ClinVar variation 1169421 (VCV001169421.36), dbSNP rs142291090, ClinGen allele CA4754247.

ClinVar aggregate classification (germline): Benign/Likely benign. Review status: criteria provided, multiple submitters, no conflicts (2 of 4 stars). 5 submissions from 5 submitters: Benign (2); Likely benign (2). 1 of the submissions does not count toward it. Last evaluated 2026-03-01.

Conditions:
LYN-related disorder. Also called: LYN-related condition.

Allele frequency attached by ClinVar (database versions not stated): 1000 Genomes Project 30x 0.00016; 1000 Genomes Project 0.00020; TOPMed 0.00036; gnomAD 0.00039 and 0.00044; gnomAD exomes 0.00044 and 0.00054; ExAC 0.00050; ESP Exome Variant Server 0.00054.
gnomAD v4.1: 731 of 1,613,810 alleles (0.045%); highest among the groups gnomAD compares: Middle Eastern, 0.99%; 5 homozygotes.

Submissions (5):

CeGaT Center for Human Genetics Tuebingen
Classification: Likely benign. Last evaluated: 2026-03-01. Review status: criteria provided, single submitter. Criteria: CeGaT Center For Human Genetics Tuebingen Variant Classification Criteria Version 2. Collection method: clinical testing. Allele origin: germline. Affected: yes. Observed: 5 variant alleles.
Comment: LYN: BP4, BP7

Labcorp Genetics (formerly Invitae), Labcorp
Classification: Benign. Last evaluated: 2026-02-01. Review status: criteria provided, single submitter. Criteria: Invitae Variant Classification Sherloc (09022015). Collection method: clinical testing. Allele origin: germline.

Mayo Clinic Laboratories, Mayo Clinic
Classification: Likely benign. Last evaluated: 2025-05-06. Review status: criteria provided, single submitter. Criteria: ACMG Guidelines, 2015. Collection method: clinical testing. Allele origin: germline. Observed: 1 variant allele.
Comment: BP4, BP7

Breakthrough Genomics
Classification: Benign. Review status: criteria provided, single submitter. Criteria: ACMG Guidelines, 2015. Collection method: not provided. Allele origin: germline. Inheritance: Unknown mechanism. Affected: yes.

PreventionGenetics, part of Exact Sciences
Classification: Likely benign for LYN-related condition. Last evaluated: 2022-11-14. Review status: no assertion criteria provided. Collection method: clinical testing. Allele origin: germline. Not counted in ClinVar's aggregate classification.
Comment: This variant is classified as likely benign based on ACMG/AMP sequence variant interpretation guidelines (Richards et al. 2015 PMID: 25741868, with internal and published modifications).